The following is an entry in ClinVar:

ClinVar aggregate classification (germline): Uncertain significance. Review status: criteria provided, multiple submitters, no conflicts (2 of 4 stars). 3 submissions from 3 submitters: Uncertain significance (3). Last evaluated 2025-09-25.

Conditions:
Oligodontia-cancer predisposition syndrome. Also called: TOOTH AGENESIS-COLORECTAL CANCER SYNDROME. Identifiers: Orphanet 300576, MedGen C1837750, MONDO:0012075, OMIM 608615. Disease mechanism: loss of function.
Hereditary cancer-predisposing syndrome. Also called: Neoplastic Syndromes, Hereditary; Hereditary Cancer Syndrome; Hereditary neoplastic syndrome; Tumor predisposition. Identifiers: Orphanet 140162, MedGen C0027672, MeSH D009386, MONDO:0015356.
Colorectal cancer. Also called: Colorectal cancer, somatic; Malignant Colorectal Neoplasm. Identifiers: MedGen C0346629, MONDO:0005575, OMIM 114500.

Submissions (3):

Ambry Genetics
Classification: Uncertain significance for Hereditary cancer-predisposing syndrome. Last evaluated: 2025-09-25. Review status: criteria provided, single submitter. Criteria: Ambry Variant Classification Scheme 2023. Collection method: clinical testing. Allele origin: germline.
Comment: The p.F117V variant (also known as c.349T>G), located in coding exon 1 of the AXIN2 gene, results from a T to G substitution at nucleotide position 349. The phenylalanine at codon 117 is replaced by valine, an amino acid with highly similar properties. This amino acid position is highly conserved in available vertebrate species. In addition, the in silico prediction for this alteration is inconclusive. Based on the available evidence, the clinical significance of this variant remains unclear.

Labcorp Genetics (formerly Invitae), Labcorp
Classification: Uncertain significance for Oligodontia-cancer predisposition syndrome. Last evaluated: 2023-08-31. Review status: criteria provided, single submitter. Criteria: Invitae Variant Classification Sherloc (09022015). Collection method: clinical testing. Allele origin: germline.
Comment: In summary, the available evidence is currently insufficient to determine the role of this variant in disease. Therefore, it has been classified as a Variant of Uncertain Significance. Advanced modeling of protein sequence and biophysical properties (such as structural, functional, and spatial information, amino acid conservation, physicochemical variation, residue mobility, and thermodynamic stability) performed at Invitae indicates that this missense variant is expected to disrupt AXIN2 protein function. ClinVar contains an entry for this variant (Variation ID: 2566137). This variant has not been reported in the literature in individuals affected with AXIN2-related conditions. This variant is not present in population databases (gnomAD no frequency). This sequence change replaces phenylalanine, which is neutral and non-polar, with valine, which is neutral and non-polar, at codon 117 of the AXIN2 protein (p.Phe117Val).

Baylor Genetics
Classification: Uncertain significance for Colorectal cancer. Last evaluated: 2023-07-11. Review status: criteria provided, single submitter. Criteria: ACMG Guidelines, 2015. Collection method: clinical testing. Allele origin: unknown.

NM_004655.4(AXIN2):c.349T>G (p.Phe117Val)

Gene: AXIN2 (axin 2; minus strand). Cytogenetic location: 17q24.1.
Variant type: single nucleotide variant.
Coding change: c.349T>G on transcript NM_004655.4 (MANE Select); coding-DNA position 349, T replaced by G.
Protein change: p.Phe117Val; replaces phenylalanine 117 with valine.
Molecular consequence: missense variant.
Genome position (GRCh38, 1-based): chr17:65,558,272, A>C on the plus strand (T>G on the coding strand, the complement: AXIN2 is on the minus strand). VCF-style: chr17-65558272-A-C. GRCh37 (hg19) VCF-style: chr17-63554390-A-C.
Other names: c.349T>G, p.Phe117Val (NM_001363813.1); short protein forms F117V.
Identifiers: ClinVar variation 2566137 (VCV002566137.7), dbSNP rs2144587469, ClinGen allele CA400681589.